The following is an entry in ClinVar:

ClinVar aggregate classification (germline): Uncertain significance (1 of 4 stars; one submission).

Conditions:
Developmental and epileptic encephalopathy. Identifiers: MedGen C5779964, MONDO:0100620.

Allele frequency attached by ClinVar (database versions not stated): ExAC 0.00001; gnomAD exomes 0.00002 and 0.00004; TOPMed 0.00004; gnomAD 0.00009 and 0.00011.
gnomAD v4.1: 26 of 1,613,688 alleles (0.0016%); highest among the groups gnomAD compares: Admixed American, 0.038%; no homozygotes.

Submission:

Labcorp Genetics (formerly Invitae), Labcorp
Classification: Uncertain significance for Early-infantile DEE. Last evaluated: 2022-05-30. Review status: criteria provided, single submitter. Criteria: Invitae Variant Classification Sherloc (09022015). Collection method: clinical testing. Allele origin: germline.
Comment: This sequence change replaces lysine, which is basic and polar, with arginine, which is basic and polar, at codon 144 of the ST3GAL3 protein (p.Lys144Arg). This variant is present in population databases (rs773798445, gnomAD 0.02%). This variant has not been reported in the literature in individuals affected with ST3GAL3-related conditions. ClinVar contains an entry for this variant (Variation ID: 665665). Algorithms developed to predict the effect of missense changes on protein structure and function are either unavailable or do not agree on the potential impact of this missense change (SIFT: "Deleterious"; PolyPhen-2: "Benign"; Align-GVGD: "Class C0"). In summary, the available evidence is currently insufficient to determine the role of this variant in disease. Therefore, it has been classified as a Variant of Uncertain Significance.

NM_006279.5(ST3GAL3):c.431A>G (p.Lys144Arg)

Gene: ST3GAL3 (ST3 beta-galactoside alpha-2,3-sialyltransferase 3; plus strand). Cytogenetic location: 1p34.1.
Variant type: single nucleotide variant.
Coding change: c.431A>G on transcript NM_006279.5 (MANE Select); coding-DNA position 431, A replaced by G.
Protein change: p.Lys144Arg; replaces lysine 144 with arginine.
Molecular consequence: missense variant. On other transcripts: non-coding transcript variant (7), intron variant (4).
Genome position (GRCh38, 1-based): chr1:43,898,268, A>G. VCF-style: chr1-43898268-A-G. GRCh37 (hg19) VCF-style: chr1-44363940-A-G.
Other names: c.431A>G, p.Lys144Arg (NM_001270459.2, NM_001350620.2, NM_174966.4); c.338A>G, p.Lys113Arg (NM_001270460.2); c.383A>G, p.Lys128Arg (NM_001270461.3, NM_001270464.3, NM_174969.4); c.290A>G, p.Lys97Arg (NM_001270462.3); c.428A>G, p.Lys143Arg (NM_001270463.3, NM_001270465.3); c.476A>G, p.Lys159Arg (NM_001350619.2, NM_174964.4); c.152A>G, p.Lys51Arg (NM_001350621.2); c.593A>G, p.Lys198Arg (NM_001363573.2, NM_174968.5); and 6 more; short protein forms K128R, K213R, K97R, K143R, K51R, K113R, K144R, K159R.
Identifiers: ClinVar variation 665665 (VCV000665665.9), dbSNP rs773798445, ClinGen allele CA814694.
Genomic context (GRCh38, chr1:43,898,268, plus strand): 5'-ACAGAAACCTCTCTCCTCTGTCTGCAGACAATCTGATCAAAGCCATCTTGTCAGTCACCA[A>G]AGAGTACCGCCTGACCCCTGCCTTGGACAGGTGAGCCACACACTGTGCAGCCTCCTACCC-3'
Protein context (NP_006270.1, residues 134-154): NLIKAILSVT[Lys144Arg]EYRLTPALDS